The following is an entry in ClinVar:

NM_006245.4(PPP2R5D):c.1235C>G (p.Ser412Cys)

Gene: PPP2R5D (protein phosphatase 2 regulatory subunit B'delta; plus strand). Cytogenetic location: 6p21.1.
Variant type: single nucleotide variant.
Coding change: c.1235C>G on transcript NM_006245.4 (MANE Select); coding-DNA position 1235, C replaced by G.
Protein change: p.Ser412Cys; replaces serine 412 with cysteine.
Molecular consequence: missense variant.
Genome position (GRCh38, 1-based): chr6:43,009,211, C>G. VCF-style: chr6-43009211-C-G. GRCh37 (hg19) VCF-style: chr6-42976949-C-G.
Other names: c.782C>G, p.Ser261Cys (NM_001270476.2); c.1139C>G, p.Ser380Cys (NM_180976.3); c.917C>G, p.Ser306Cys (NM_180977.3); short protein forms S306C, S261C, S412C, S380C.
Identifiers: ClinVar variation 3007357 (VCV003007357.3), dbSNP rs563075519, ClinGen allele CA3812010.

ClinVar aggregate classification (germline): Uncertain significance (1 of 4 stars; one submission).

Allele frequency attached by ClinVar (database versions not stated): ExAC 0.00001; gnomAD 0.00001; 1000 Genomes Project 30x 0.00016; 1000 Genomes Project 0.00020.
gnomAD v4.1: 1 of 1,614,148 alleles (0.000062%); highest among the groups gnomAD compares: South Asian, 0.0011%; no homozygotes.

Submission:

Labcorp Genetics (formerly Invitae), Labcorp
Classification: Uncertain significance. Last evaluated: 2023-08-30. Review status: criteria provided, single submitter. Criteria: Invitae Variant Classification Sherloc (09022015). Collection method: clinical testing. Allele origin: germline.
Comment: In summary, the available evidence is currently insufficient to determine the role of this variant in disease. Therefore, it has been classified as a Variant of Uncertain Significance. An algorithm developed to predict the effect of missense changes on protein structure and function (PolyPhen-2) suggests that this variant is likely to be disruptive. This variant has not been reported in the literature in individuals affected with PPP2R5D-related conditions. This variant is present in population databases (rs563075519, gnomAD 0.003%). This sequence change replaces serine, which is neutral and polar, with cysteine, which is neutral and slightly polar, at codon 412 of the PPP2R5D protein (p.Ser412Cys).